The following is an entry in ClinVar:

ClinVar aggregate classification (germline): Uncertain significance. Review status: criteria provided, multiple submitters, no conflicts (2 of 4 stars). 2 submissions from 2 submitters: Uncertain significance (2). Last evaluated 2025-05-10.

Conditions:
Gorlin syndrome. Also called: Basal cell nevus syndrome; Nevoid Basal Cell Carcinoma Syndrome. Identifiers: Orphanet 377, MedGen C0004779, MONDO:0007187.
Hereditary cancer-predisposing syndrome. Also called: Hereditary neoplastic syndrome; Tumor predisposition; Neoplastic Syndromes, Hereditary; Hereditary Cancer Syndrome. Identifiers: Orphanet 140162, MedGen C0027672, MeSH D009386, MONDO:0015356.

Allele frequency attached by ClinVar (database versions not stated): gnomAD exomes below 0.00001; ExAC 0.00001.
gnomAD v4.1: 1 of 1,613,780 alleles (0.000062%); highest among the groups gnomAD compares: Non-Finnish European, 0.000085%; no homozygotes.

Submissions (2):

Ambry Genetics
Classification: Uncertain significance for Hereditary cancer-predisposing syndrome. Last evaluated: 2025-05-10. Review status: criteria provided, single submitter. Criteria: Ambry Variant Classification Scheme 2023. Collection method: clinical testing. Allele origin: germline.
Comment: The p.G99D variant (also known as c.296G>A), located in coding exon 2 of the PTCH1 gene, results from a G to A substitution at nucleotide position 296. The glycine at codon 99 is replaced by aspartic acid, an amino acid with similar properties. This amino acid position is highly conserved in available vertebrate species. In addition, this alteration is predicted to be deleterious by in silico analysis. Based on the available evidence, the clinical significance of this variant remains unclear.

Labcorp Genetics (formerly Invitae), Labcorp
Classification: Uncertain significance for Gorlin syndrome. Last evaluated: 2021-12-30. Review status: criteria provided, single submitter. Criteria: Invitae Variant Classification Sherloc (09022015). Collection method: clinical testing. Allele origin: germline.
Comment: Algorithms developed to predict the effect of missense changes on protein structure and function are either unavailable or do not agree on the potential impact of this missense change (SIFT: "Tolerated"; PolyPhen-2: "Probably Damaging"; Align-GVGD: "Class C0"). In summary, the available evidence is currently insufficient to determine the role of this variant in disease. Therefore, it has been classified as a Variant of Uncertain Significance. ClinVar contains an entry for this variant (Variation ID: 950056). This missense change has been observed in individual(s) with clinical features of Gorlin syndrome (PMID: 28596197). This variant is present in population databases (rs753884837, gnomAD 0.0009%). This sequence change replaces glycine, which is neutral and non-polar, with aspartic acid, which is acidic and polar, at codon 99 of the PTCH1 protein (p.Gly99Asp).

Literature cited by the submitters: PubMed 28596197 (cited by Labcorp Genetics (formerly Invitae), Labcorp).

NM_000264.5(PTCH1):c.296G>A (p.Gly99Asp)

Gene: PTCH1 (patched 1; minus strand). Cytogenetic location: 9q22.32.
Variant type: single nucleotide variant.
Coding change: c.296G>A on transcript NM_000264.5 (MANE Select); coding-DNA position 296, G replaced by A.
Protein change: p.Gly99Asp; replaces glycine 99 with aspartic acid.
Molecular consequence: missense variant. On other transcripts: 5 prime UTR variant (4), non-coding transcript variant (1).
Genome position (GRCh38, 1-based): chr9:95,506,505, C>T on the plus strand (G>A on the coding strand, the complement: PTCH1 is on the minus strand). VCF-style: chr9-95506505-C-T. GRCh37 (hg19) VCF-style: chr9-98268787-C-T.
Other names: c.98G>A, p.Gly33Asp (NM_001083602.3, NM_001354919.2); c.293G>A, p.Gly98Asp (NM_001083603.3); c.-158G>A (NM_001083604.3, NM_001083605.3, NM_001083606.3 and 1 more transcripts); c.296G>A, p.Gly99Asp (NM_001354918.2); short protein forms G98D, G33D, G99D.
Identifiers: ClinVar variation 950056 (VCV000950056.11), dbSNP rs753884837, ClinGen allele CA5138990.